The following is an entry in ClinVar:

NM_024426.6(WT1):c.1016+4A>C

Gene: WT1 (WT1 transcription factor; minus strand). Cytogenetic location: 11p13.
Variant type: single nucleotide variant.
Coding change: c.1016+4A>C on transcript NM_024426.6 (MANE Select); 4 bases into the intron after coding-DNA position 1016, A replaced by C.
Molecular consequence: intron variant.
Genome position (GRCh38, 1-based): chr11:32,416,486, T>G on the plus strand (A>C on the coding strand, the complement: WT1 is on the minus strand). VCF-style: chr11-32416486-T-G. GRCh37 (hg19) VCF-style: chr11-32438032-T-G.
Other names: c.893+4A>C (NM_001407047.1); c.965+1091A>C (NM_001407048.1, NM_001407049.1, NM_000378.6 and 1 more transcripts); c.1016+4A>C (NM_001407044.1, NM_001407046.1, NM_024424.5); c.254+4A>C (NM_001407051.1); c.314+1091A>C (NM_001198552.2); c.365+4A>C (NM_001198551.2); c.842+1091A>C (NM_001407050.1); c.1001+4A>C (NM_024426.4).
Identifiers: ClinVar variation 1464018 (VCV001464018.8), dbSNP rs776489080, ClinGen allele CA675646051.

ClinVar aggregate classification (germline): Uncertain significance. Review status: criteria provided, multiple submitters, no conflicts (2 of 4 stars). 2 submissions from 2 submitters: Uncertain significance (2). Last evaluated 2025-07-02.

Conditions:
Inborn genetic diseases. Identifiers: MedGen C0950123, MeSH D030342.
Frasier syndrome. Identifiers: Orphanet 347, MedGen C0950122, MeSH D052159, MONDO:0007635, OMIM 136680.
Wilms tumor 1 (WT1). Also called: Wilms tumor, somatic. Identifiers: Orphanet 654, MedGen CN033288, MONDO:0008679, OMIM 194070.
11p partial monosomy syndrome (WAGR). Also called: WAGR Complex; WAGR Spectrum Disorder; CHROMOSOME 11p13 DELETION SYNDROME; WAGR syndrome. Identifiers: Orphanet 893, MedGen C0206115, MONDO:0008681, OMIM 194072.
Drash syndrome (DDS). Also called: WILMS TUMOR AND PSEUDO- OR TRUE HERMAPHRODITISM; NEPHROPATHY, WILMS TUMOR, AND GENITAL ANOMALIES. Identifiers: Orphanet 220, MedGen C0950121, MONDO:0008682, OMIM 194080.

Allele frequency attached by ClinVar (database versions not stated): gnomAD 0.00001; TOPMed 0.00003.
gnomAD v4.1: 1 of 1,613,968 alleles (0.000062%); highest among the groups gnomAD compares: Admixed American, 0.0017%; no homozygotes.

Submissions (2):

Ambry Genetics
Classification: Uncertain significance for Inborn genetic diseases. Last evaluated: 2025-07-02. Review status: criteria provided, single submitter. Criteria: Ambry Variant Classification Scheme 2023. Collection method: clinical testing. Allele origin: germline.
Comment: The c.1001+4A>C intronic variant results from an A to C substitution 4 nucleotides after coding exon 5 in the WT1 gene. This nucleotide position is highly conserved in available vertebrate species. In silico splice site analysis predicts that this alteration will weaken the native splice donor site. Based on the available evidence, the clinical significance of this variant remains unclear.

Labcorp Genetics (formerly Invitae), Labcorp
Classification: Uncertain significance for Wilms tumor 1; Drash syndrome; 11p partial monosomy syndrome; Frasier syndrome. Last evaluated: 2021-02-12. Review status: criteria provided, single submitter. Criteria: Invitae Variant Classification Sherloc (09022015). Collection method: clinical testing. Allele origin: germline.
Comment: This variant has not been reported in the literature in individuals with WT1-related conditions. This sequence change falls in intron 5 of the WT1 gene. It does not directly change the encoded amino acid sequence of the WT1 protein. It affects a nucleotide within the consensus splice site of the intron. This variant is not present in population databases (ExAC no frequency). Nucleotide substitutions within the consensus splice site are a relatively common cause of aberrant splicing (PMID: 17576681, 9536098). Algorithms developed to predict the effect of sequence changes on RNA splicing suggest that this variant may disrupt the consensus splice site, but this prediction has not been confirmed by published transcriptional studies. In summary, the available evidence is currently insufficient to determine the role of this variant in disease. Therefore, it has been classified as a Variant of Uncertain Significance.

Literature cited by the submitters: PubMed 17576681 (cited by Labcorp Genetics (formerly Invitae), Labcorp); PubMed 9536098 (cited by Labcorp Genetics (formerly Invitae), Labcorp).